The following is an entry in ClinVar:

ClinVar aggregate classification (germline): Uncertain significance (1 of 4 stars; one submission).

Conditions:
Inborn genetic diseases. Identifiers: MedGen C0950123, MeSH D030342.

Submission:

Ambry Genetics
Classification: Uncertain significance for Inborn genetic diseases. Last evaluated: 2026-07-23. Review status: criteria provided, single submitter. Criteria: Ambry Variant Classification Scheme 2023. Collection method: clinical testing. Allele origin: germline.
Comment: The p.S1043R variant (also known as c.3129T>A), located in coding exon 23 of the BUB1B gene, results from a T to A substitution at nucleotide position 3129. The serine at codon 1043 is replaced by arginine, an amino acid with dissimilar properties. This amino acid position is conserved. In addition, this alteration is predicted to be tolerated by in silico analysis. Based on the available evidence, the clinical significance of this variant remains unclear.

NM_001211.6(BUB1B):c.3129T>A (p.Ser1043Arg)

Genes: BUB1B (BUB1 mitotic checkpoint serine/threonine kinase B; plus strand), BUB1B-PAK6 (BUB1B-PAK6 readthrough; plus strand). Cytogenetic location: 15q15.1.
Variant type: single nucleotide variant.
Coding change: c.3129T>A on transcript NM_001211.6 (MANE Select); coding-DNA position 3129, T replaced by A.
Protein change: p.Ser1043Arg; replaces serine 1043 with arginine.
Molecular consequence: missense variant. On other transcripts: intron variant (2).
Genome position (GRCh38, 1-based): chr15:40,220,735, T>A. VCF-style: chr15-40220735-T-A. GRCh37 (hg19) VCF-style: chr15-40512936-T-A.
Other names: c.-201+3068T>A (NM_001128628.3); c.-118+3068T>A (NM_001128629.3); short protein forms S1043R.
Identifiers: ClinVar variation 5033521 (VCV005033521.1).